The following is an entry in ClinVar:

ClinVar aggregate classification (germline): Uncertain significance (1 of 4 stars; one submission).

Conditions:
Mucopolysaccharidosis, MPS-IV-B (MPS4B). Also called: MORQUIO SYNDROME B; Mucopolysaccharidosis type IV B; Mucopolysaccharidosis Type IVB; Mucopolysaccharidosis type 4B; Mucopolysaccharidosis Type IVB (Morquio B Disease); Mucopolysaccharidosis type IVB (Morquio). Identifiers: Orphanet 309310, Orphanet 582, MedGen C0086652, MONDO:0009660, OMIM 253010.
GM1 gangliosidosis. Identifiers: Orphanet 354, MedGen C0085131, MONDO:0018149.

gnomAD v4.1: 8 of 1,612,516 alleles (0.0005%); highest among the groups gnomAD compares: African/African-American, 0.0027%; no homozygotes.

Submission:

Labcorp Genetics (formerly Invitae), Labcorp
Classification: Uncertain significance for Mucopolysaccharidosis, MPS-IV-B; GM1 gangliosidosis. Last evaluated: 2024-10-02. Review status: criteria provided, single submitter. Criteria: Invitae Variant Classification Sherloc (09022015). Collection method: clinical testing. Allele origin: germline.
Comment: This sequence change replaces valine, which is neutral and non-polar, with alanine, which is neutral and non-polar, at codon 360 of the GLB1 protein (p.Val360Ala). The frequency data for this variant in the population databases is considered unreliable, as metrics indicate poor data quality at this position in the gnomAD database. This variant has not been reported in the literature in individuals affected with GLB1-related conditions. Invitae Evidence Modeling of protein sequence and biophysical properties (such as structural, functional, and spatial information, amino acid conservation, physicochemical variation, residue mobility, and thermodynamic stability) indicates that this missense variant is expected to disrupt GLB1 protein function with a positive predictive value of 95%. In summary, the available evidence is currently insufficient to determine the role of this variant in disease. Therefore, it has been classified as a Variant of Uncertain Significance.

NM_000404.4(GLB1):c.1079T>C (p.Val360Ala)

Gene: GLB1 (galactosidase beta 1; minus strand). Cytogenetic location: 3p22.3.
Variant type: single nucleotide variant.
Coding change: c.1079T>C on transcript NM_000404.4 (MANE Select); coding-DNA position 1079, T replaced by C.
Protein change: p.Val360Ala; replaces valine 360 with alanine.
Molecular consequence: missense variant.
Genome position (GRCh38, 1-based): chr3:33,024,315, A>G on the plus strand (T>C on the coding strand, the complement: GLB1 is on the minus strand). VCF-style: chr3-33024315-A-G. GRCh37 (hg19) VCF-style: chr3-33065807-A-G.
Other names: c.989T>C, p.Val330Ala (NM_001079811.3); c.686T>C, p.Val229Ala (NM_001135602.3); c.1223T>C, p.Val408Ala (NM_001317040.2); c.1079T>C, p.Val360Ala (NM_001393580.1); short protein forms V229A, V330A, V360A, V408A.
Identifiers: ClinVar variation 3750804 (VCV003750804.2).